The following is an entry in ClinVar:

ClinVar aggregate classification (germline): Uncertain significance. Review status: criteria provided, multiple submitters, no conflicts (2 of 4 stars). 3 submissions from 3 submitters: Uncertain significance (3). Last evaluated 2025-10-06.

Conditions:
Hereditary cancer-predisposing syndrome. Also called: Hereditary neoplastic syndrome; Tumor predisposition; Hereditary Cancer Syndrome; Neoplastic Syndromes, Hereditary. Identifiers: Orphanet 140162, MedGen C0027672, MeSH D009386, MONDO:0015356.
Peutz-Jeghers syndrome (PJS). Also called: POLYPOSIS, HAMARTOMATOUS INTESTINAL; POLYPS-AND-SPOTS SYNDROME; Peutz-Jeghers polyposis; Periorificial lentiginosis syndrome. Identifiers: Orphanet 2869, MedGen C0031269, MeSH D010580, MONDO:0008280, OMIM 175200.

Allele frequency attached by ClinVar (database versions not stated): gnomAD exomes below 0.00001; ExAC 0.00001.
gnomAD v4.1: 1 of 1,608,916 alleles (0.000062%); highest among the groups gnomAD compares: East Asian, 0.0022%; no homozygotes.

Submissions (3):

Color Diagnostics, LLC DBA Color Health
Classification: Uncertain significance for Hereditary cancer-predisposing syndrome. Last evaluated: 2025-10-06. Review status: criteria provided, single submitter. Criteria: ACMG Guidelines, 2015. Collection method: clinical testing. Allele origin: germline.
Comment: This variant causes a T to C nucleotide substitution at the +6 position of intron 8 of the STK11 gene. Splice site prediction tools suggest that this variant may not impact RNA splicing. To our knowledge, RNA studies have not been reported for this variant. This variant has not been reported in individuals affected with STK11-related disorders in the literature. This variant has been identified in 1/238958 chromosomes in the general population by the Genome Aggregation Database (gnomAD). The available evidence is insufficient to determine the role of this variant in disease conclusively. Therefore, this variant is classified as a Variant of Uncertain Significance.

Labcorp Genetics (formerly Invitae), Labcorp
Classification: Uncertain significance for Peutz-Jeghers syndrome. Last evaluated: 2025-04-20. Review status: criteria provided, single submitter. Criteria: Invitae Variant Classification Sherloc (09022015). Collection method: clinical testing. Allele origin: germline.
Comment: This sequence change falls in intron 8 of the STK11 gene. It does not directly change the encoded amino acid sequence of the STK11 protein. It affects a nucleotide within the consensus splice site. This variant is present in population databases (rs777428255, gnomAD 0.006%). This variant has not been reported in the literature in individuals affected with STK11-related conditions. ClinVar contains an entry for this variant (Variation ID: 578710). Variants that disrupt the consensus splice site are a relatively common cause of aberrant splicing (PMID: 17576681, 9536098). Algorithms developed to predict the effect of sequence changes on RNA splicing suggest that this variant is not likely to affect RNA splicing. In summary, the available evidence is currently insufficient to determine the role of this variant in disease. Therefore, it has been classified as a Variant of Uncertain Significance.

All of Us Research Program, National Institutes of Health
Classification: Uncertain significance for Peutz-Jeghers syndrome. Last evaluated: 2023-10-06. Review status: criteria provided, single submitter. Criteria: ACMG Guidelines, 2015. Collection method: clinical testing. Allele origin: germline. Inheritance: Autosomal dominant inheritance. Observed: 1 variant allele, 1 heterozygote.
Comment: This variant causes a T to C nucleotide substitution at the +6 position of intron 8 of the STK11 gene. Splice site prediction tools suggest that this variant may not impact RNA splicing. To our knowledge, RNA studies have not been reported for this variant. This variant has not been reported in individuals affected with STK11-related disorders in the literature. This variant has been identified in 1/238958 chromosomes in the general population by the Genome Aggregation Database (gnomAD). The available evidence is insufficient to determine the role of this variant in disease conclusively. Therefore, this variant is classified as a Variant of Uncertain Significance.

This study involves interpretation of variants in research participants for the purpose of population health screening. Participant phenotype was not available at the time of variant classification. Additional details can be found in publication PMID: 35346344, PMCID: PMC8962531

Literature cited by the submitters: PubMed 17576681 (cited by Labcorp Genetics (formerly Invitae), Labcorp); PubMed 9536098 (cited by Labcorp Genetics (formerly Invitae), Labcorp).

NM_000455.5(STK11):c.1108+6T>C

Genes: STK11 (serine/threonine kinase 11; plus strand), LOC130062899 (ATAC-STARR-seq lymphoblastoid active region 13597; plus strand). Cytogenetic location: 19p13.3.
Variant type: single nucleotide variant.
Coding change: c.1108+6T>C on transcript NM_000455.5 (MANE Select); 6 bases into the intron after coding-DNA position 1108, T replaced by C.
Molecular consequence: intron variant.
Genome position (GRCh38, 1-based): chr19:1,223,178, T>C. VCF-style: chr19-1223178-T-C. GRCh37 (hg19) VCF-style: chr19-1223177-T-C.
Identifiers: ClinVar variation 578710 (VCV000578710.13), dbSNP rs777428255, ClinGen allele CA045366.